The following is an entry in ClinVar:

ClinVar aggregate classification (germline): Benign (1 of 4 stars; one submission).

Conditions:
Melanoma-pancreatic cancer syndrome. Identifiers: Orphanet 404560, MedGen C1838547, MONDO:0011713, OMIM 606719. Disease mechanism: loss of function.

Submission:

Myriad Genetics, Inc.
Classification: Benign for Melanoma-pancreatic cancer syndrome. Last evaluated: 2025-08-12. Review status: criteria provided, single submitter. Criteria: Myriad Autosomal Dominant, Autosomal Recessive and X-Linked Classification Criteria (2023). Collection method: clinical testing. Allele origin: unknown.
Comment: This variant is considered benign. This variant is a silent/synonymous amino acid change and it is not expected to impact splicing.

NM_058195.4(CDKN2A):c.45C>T (p.Cys15=)

Gene: CDKN2A (cyclin dependent kinase inhibitor 2A; minus strand). Cytogenetic location: 9p21.3.
Variant type: single nucleotide variant.
Coding change: c.45C>T on transcript NM_058195.4 (MANE Plus Clinical); coding-DNA position 45, C replaced by T.
Protein change: p.Cys15=; no amino-acid change (cysteine 15 retained).
Molecular consequence: synonymous variant. On other transcripts: intron variant (1).
Genome position (GRCh38, 1-based): chr9:21,994,287, G>A on the plus strand (C>T on the coding strand, the complement: CDKN2A is on the minus strand). VCF-style: chr9-21994287-G-A. GRCh37 (hg19) VCF-style: chr9-21994286-G-A.
Other names: c.-4+534C>T (NM_001363763.2).
Identifiers: ClinVar variation 4294127 (VCV004294127.1).
Genomic context (GRCh38, chr9:21,994,287, plus strand): 5'-TGCCCACTCCCCCGTGAGCCGCGGGATGTGAACCACGAAAACCCTCACTCGCGGCGGGCC[G>A]CACGCGCGCCGAATCCGGAGGGTCACCAAGAACCTGCGCACCATGTTCTCGCCGCCTCCA-3'
Protein context (NP_478102.2, residues 5-25): FLVTLRIRRA[Cys15=]GPPRVRVFVV